The following is an entry in ClinVar:

NM_001252024.2(TRPM1):c.2633G>A (p.Trp878Ter)

Genes: TRPM1 (transient receptor potential cation channel subfamily M member 1; minus strand), TRPM1-AS1 (TRPM1 antisense RNA 1; plus strand). Cytogenetic location: 15q13.3.
Variant type: single nucleotide variant.
Coding change: c.2633G>A on transcript NM_001252024.2 (MANE Select); coding-DNA position 2633, G replaced by A.
Protein change: p.Trp878Ter; replaces tryptophan 878 with a stop codon.
Molecular consequence: nonsense.
Genome position (GRCh38, 1-based): chr15:31,035,613, C>T on the plus strand (G>A on the coding strand, the complement: TRPM1 is on the minus strand). VCF-style: chr15-31035613-C-T. GRCh37 (hg19) VCF-style: chr15-31327816-C-T.
Other names: c.2684G>A, p.Trp895Ter (NM_001252020.2); c.2567G>A, p.Trp856Ter (NM_002420.6); short protein forms W856*, W878*, W895*.
Identifiers: ClinVar variation 812434 (VCV000812434.5), dbSNP rs765645888, ClinGen allele CA7452120.

ClinVar aggregate classification (germline): Pathogenic/Likely pathogenic. Review status: criteria provided, multiple submitters, no conflicts (2 of 4 stars). 5 submissions from 5 submitters: Pathogenic (3); Likely pathogenic (1). 1 of the submissions does not count toward it. Last evaluated 2025-11-08.

Conditions:
Congenital stationary night blindness 1C. Also called: Night blindness, congenital stationary (complete), 1C, autosomal recessive. Identifiers: Orphanet 215, MedGen C2750747, MONDO:0013183, OMIM 613216.
TRPM1-related disorder. Also called: TRPM1-related condition.
Congenital stationary night blindness. Also called: Early-onset non-progressive night blindness. Identifiers: Orphanet 215, MedGen C0339535, MONDO:0016293, HP:0007642.

Allele frequency attached by ClinVar (database versions not stated): ExAC 0.00001; gnomAD exomes 0.00001.
gnomAD v4.1: 7 of 1,614,142 alleles (0.00043%); highest among the groups gnomAD compares: Middle Eastern, 0.049%; no homozygotes.

Submissions (5):

Labcorp Genetics (formerly Invitae), Labcorp
Classification: Pathogenic. Last evaluated: 2025-11-08. Review status: criteria provided, single submitter. Criteria: Invitae Variant Classification Sherloc (09022015). Collection method: clinical testing. Allele origin: germline.
Comment: This sequence change creates a premature translational stop signal (p.Trp856*) in the TRPM1 gene. It is expected to result in an absent or disrupted protein product. Loss-of-function variants in TRPM1 are known to be pathogenic (PMID: 19896113, 19966281, 20300565). This variant is present in population databases (rs765645888, gnomAD 0.002%). This premature translational stop signal has been observed in individuals with congenital stationary night blindness (PMID: 19896113, 31427709, 31456290, 37798099, 38448886). This variant is also known as c.2633G>A p.Trp878* or c.2568G>A. ClinVar contains an entry for this variant (Variation ID: 812434). For these reasons, this variant has been classified as Pathogenic.

Blueprint Genetics
Classification: Pathogenic for TRPM1-related disorders. Last evaluated: 2024-11-23. Review status: criteria provided, single submitter. Criteria: ACMG Guidelines, 2015. Collection method: clinical testing. Allele origin: germline. Affected: yes. Observed: 5 variant alleles.

PreventionGenetics, part of Exact Sciences
Classification: Pathogenic for TRPM1-related condition. Last evaluated: 2023-01-17. Review status: criteria provided, single submitter. Criteria: ACMG Guidelines, 2015. Collection method: clinical testing. Allele origin: germline.
Comment: The TRPM1 c.2567G>A variant is predicted to result in premature protein termination (p.Trp856*). This variant has been reported apparently homozygous in one patient with complete congenital stationary night blindness, myopia, nystagmus and strabismus (Patient 691, Table 1, Audo et al. 2009. PubMed ID: 19896113). This variant is reported in 0.00088% of alleles in individuals of European (Non-Finnish) descent in gnomAD. Nonsense variants in TRPM1 are expected to be pathogenic. This variant is interpreted as pathogenic.

Department of Pathology and Laboratory Medicine, Sinai Health System
Classification: Likely pathogenic for Congenital stationary night blindness 1C. Last evaluated: 2023-01-16. Review status: criteria provided, single submitter. Criteria: ACMG Guidelines, 2015. Collection method: research. Allele origin: germline.

Sharon lab, Hadassah-Hebrew University Medical Center
Classification: Pathogenic for Congenital stationary night blindness. Last evaluated: 2019-06-23. Review status: no assertion criteria provided. Collection method: research. Allele origin: inherited. Affected: yes. Not counted in ClinVar's aggregate classification.

Literature cited by the submitters: PubMed 19896113 (cited by Labcorp Genetics (formerly Invitae), Labcorp); PubMed 19966281 (cited by Labcorp Genetics (formerly Invitae), Labcorp); PubMed 20300565 (cited by Labcorp Genetics (formerly Invitae), Labcorp); PubMed 31427709 (cited by Labcorp Genetics (formerly Invitae), Labcorp); PubMed 31456290 (cited by Labcorp Genetics (formerly Invitae), Labcorp); PubMed 37798099 (cited by Labcorp Genetics (formerly Invitae), Labcorp); PubMed 38448886 (cited by Labcorp Genetics (formerly Invitae), Labcorp).